The following is an entry in ClinVar:

NM_181552.4(CUX1):c.3786del (p.Tyr1263fs)

Gene: CUX1 (cut like homeobox 1; plus strand). Cytogenetic location: 7q22.1.
Variant type: Deletion.
Coding change: c.3786del on transcript NM_181552.4 (MANE Select); coding-DNA position 3786, one base deleted (G; older notation c.3786delG).
Protein change: p.Tyr1263fs; shifts the reading frame from tyrosine 1263.
Molecular consequence: frameshift variant. On other transcripts: intron variant (5).
Genome position (GRCh38, 1-based): chr7:102,239,483, G deleted. VCF-style (leftmost placement, unchanged base first): chr7-102239482-CG-C. GRCh37 (hg19) VCF-style: chr7-101882762-CG-C.
Other names: c.3819del, p.Tyr1274fs (NM_001202543.2); c.1256-33883del (NM_001913.5); c.1250-33883del (NM_181500.4); c.1118-33883del (NM_001202545.3); c.1208-33883del (NM_001202544.3); c.1139-33883del (NM_001202546.3); c.3819delG (NM_001202543.2); short protein forms Y1263fs, Y1274fs.
Identifiers: ClinVar variation 1803934 (VCV001803934.1), dbSNP rs2486191761, ClinGen allele CA2580076041.
Genomic context (GRCh38, chr7:102,239,482, plus strand): 5'-ACCAGCTGAAGAAACCCCGGGTGGTGCTGGCTCCGGAGGAGAAGGAGGCGCTGAAACGAG[CG>C]TATCAGCAAAAGCCATACCCGTCACCAAAAACCATCGAAGACCTCGCCACCCAGCTCAAC-3'

ClinVar aggregate classification (germline): Likely pathogenic (1 of 4 stars; one submission).

Conditions:
Global developmental delay with or without impaired intellectual development. Identifiers: MedGen C5193032, MONDO:0032680, OMIM 618330.

Submission:

Institute of Human Genetics, University of Leipzig Medical Center
Classification: Likely pathogenic for Global developmental delay with or without impaired intellectual development. Last evaluated: 2022-12-19. Review status: criteria provided, single submitter. Criteria: ACMG Guidelines, 2015. Collection method: clinical testing. Allele origin: de novo. Affected: yes.
Comment: Criteria applied: PVS1_STR, PS2_Moderate, PM2_Supporting